The following is an entry in ClinVar:

NM_015295.3(SMCHD1):c.331A>G (p.Thr111Ala)

Gene: SMCHD1 (structural maintenance of chromosomes flexible hinge domain containing 1; plus strand). Cytogenetic location: 18p11.32.
Variant type: single nucleotide variant.
Coding change: c.331A>G on transcript NM_015295.3 (MANE Select); coding-DNA position 331, A replaced by G.
Protein change: p.Thr111Ala; replaces threonine 111 with alanine.
Molecular consequence: missense variant.
Genome position (GRCh38, 1-based): chr18:2,666,938, A>G. VCF-style: chr18-2666938-A-G. GRCh37 (hg19) VCF-style: chr18-2666937-A-G.
Other names: short protein forms T111A.
Identifiers: ClinVar variation 1370756 (VCV001370756.6), dbSNP rs2143805894, ClinGen allele CA401687884.

ClinVar aggregate classification (germline): Uncertain significance (1 of 4 stars; one submission).

Conditions:
Facioscapulohumeral muscular dystrophy 2 (FSHD2). Also called: MUSCULAR DYSTROPHY, FACIOSCAPULOHUMERAL, TYPE 1B; FACIOSCAPULOHUMERAL MUSCULAR DYSTROPHY 2, DIGENIC; FSHD2, DIGENIC. Identifiers: Orphanet 269, MedGen C1834671, MONDO:0008031, OMIM 158901.

Allele frequency attached by ClinVar (database versions not stated): gnomAD exomes below 0.00001.
gnomAD v4.1: 1 of 1,612,740 alleles (0.000062%); highest among the groups gnomAD compares: Non-Finnish European, 0.000085%; no homozygotes.

Submission:

Labcorp Genetics (formerly Invitae), Labcorp
Classification: Uncertain significance for Facioscapulohumeral muscular dystrophy 2. Last evaluated: 2023-06-13. Review status: criteria provided, single submitter. Criteria: Invitae Variant Classification Sherloc (09022015). Collection method: clinical testing. Allele origin: germline.
Comment: ClinVar contains an entry for this variant (Variation ID: 1370756). This variant has not been reported in the literature in individuals affected with SMCHD1-related conditions. This variant is not present in population databases (gnomAD no frequency). This sequence change replaces threonine, which is neutral and polar, with alanine, which is neutral and non-polar, at codon 111 of the SMCHD1 protein (p.Thr111Ala). Advanced modeling of protein sequence and biophysical properties (such as structural, functional, and spatial information, amino acid conservation, physicochemical variation, residue mobility, and thermodynamic stability) performed at Invitae indicates that this missense variant is not expected to disrupt SMCHD1 protein function. In summary, the available evidence is currently insufficient to determine the role of this variant in disease. Therefore, it has been classified as a Variant of Uncertain Significance.